The following is an entry in ClinVar:

NM_024989.4(PGAP1):c.668del (p.Asn223fs)

Gene: PGAP1 (post-GPI attachment to proteins inositol deacylase 1; minus strand). Cytogenetic location: 2q33.1.
Variant type: Deletion.
Coding change: c.668del on transcript NM_024989.4 (MANE Select); coding-DNA position 668, one base deleted (A; older notation c.668delA).
Protein change: p.Asn223fs; shifts the reading frame from asparagine 223.
Molecular consequence: frameshift variant. On other transcripts: 5 prime UTR variant (1).
Genome position (GRCh38, 1-based): chr2:196,902,724, T deleted on the plus strand (A on the coding strand, the reverse complement: PGAP1 is on the minus strand); the first of 3 consecutive T bases (chr2:196,902,724-196,902,726); deleting any one gives the same sequence. VCF-style (leftmost placement, unchanged base first): chr2-196902723-GT-G. GRCh37 (hg19) VCF-style: chr2-197767447-GT-G.
Other names: c.146del, p.Asn49fs (NM_001321099.2); c.-444del (NM_001321100.2); short protein forms N223fs, N49fs.
Identifiers: ClinVar variation 985613 (VCV000985613.4), dbSNP rs1702538795, ClinGen allele CA1139657592.
Genomic context (GRCh38, chr2:196,902,723, plus strand): 5'-TCCTCCAGCTACAGAAAGTGTGGTTAAATTTATGTGTCGAGCATTTAGAATCCAATAGTT[GT>G]TTACAGTCGTATAAAAATCTGGTGGGGAATAAAAAAGAGACATTAAAAAACAGTAGCCAT-3'

ClinVar aggregate classification (germline): Pathogenic (1 of 4 stars; one submission).

Conditions:
Inborn genetic diseases. Identifiers: MedGen C0950123, MeSH D030342.

Submission:

Ambry Genetics
Classification: Pathogenic for Inborn genetic diseases. Last evaluated: 2020-03-29. Review status: criteria provided, single submitter. Criteria: Ambry Variant Classification Scheme 2023. Collection method: clinical testing. Allele origin: germline.
Comment: The alteration results in a premature stop codon: _x000D_ _x000D_ The c.668delA (p.N223Tfs*6) alteration, located in coding exon 5 of the PGAP1 gene, results from a deletion of one nucleotide at position 668, causing a translational frameshift with a predicted alternate stop codon after 6 amino acids. This alteration is expected to result in loss of function by premature protein truncation or nonsense-mediated mRNA decay. The alteration is not observed in population databases: _x000D_ _x000D_ Based on data from the Genome Aggregation Database (gnomAD), the PGAP1 c.668delA alteration was not observed, with coverage at this position. Based on the available evidence, this alteration is classified as pathogenic.